The following is an entry in ClinVar:

ClinVar aggregate classification (germline): Uncertain significance. Review status: criteria provided, multiple submitters, no conflicts (2 of 4 stars). 4 submissions from 4 submitters: Uncertain significance (4). Last evaluated 2025-12-14.

Conditions:
Hereditary cancer-predisposing syndrome. Also called: Hereditary Cancer Syndrome; Neoplastic Syndromes, Hereditary; Tumor predisposition; Hereditary neoplastic syndrome. Identifiers: Orphanet 140162, MedGen C0027672, MeSH D009386, MONDO:0015356.
Ataxia-telangiectasia syndrome (AT). Also called: Ataxia-telangiectasia, complementation group D; AT, COMPLEMENTATION GROUP C; ATAXIA-TELANGIECTASIA, COMPLEMENTATION GROUP A; ATAXIA-TELANGIECTASIA, FRESNO VARIANT; Ataxia-telangiectasia; LOUIS-BAR SYNDROME. Identifiers: Orphanet 100, MedGen C0004135, MONDO:0008840, OMIM 208900.

Submissions (4):

Labcorp Genetics (formerly Invitae), Labcorp
Classification: Uncertain significance for Ataxia-telangiectasia syndrome. Last evaluated: 2025-12-14. Review status: criteria provided, single submitter. Criteria: Invitae Variant Classification Sherloc (09022015). Collection method: clinical testing. Allele origin: germline.
Comment: This sequence change replaces valine, which is neutral and non-polar, with leucine, which is neutral and non-polar, at codon 170 of the ATM protein (p.Val170Leu). The frequency data for this variant in the population databases is considered unreliable, as metrics indicate poor data quality at this position in the gnomAD database. This variant has not been reported in the literature in individuals affected with ATM-related conditions. ClinVar contains an entry for this variant (Variation ID: 186214). Invitae Evidence Modeling of protein sequence and biophysical properties (such as structural, functional, and spatial information, amino acid conservation, physicochemical variation, residue mobility, and thermodynamic stability) indicates that this missense variant is not expected to disrupt ATM protein function with a negative predictive value of 95%. Studies have shown that this missense change is associated with inconclusive levels of altered splicing (internal data). In summary, the available evidence is currently insufficient to determine the role of this variant in disease. Therefore, it has been classified as a Variant of Uncertain Significance.

Ambry Genetics
Classification: Uncertain significance for Hereditary cancer-predisposing syndrome. Last evaluated: 2025-09-30. Review status: criteria provided, single submitter. Criteria: Ambry Variant Classification Scheme 2023. Collection method: clinical testing. Allele origin: germline.
Comment: The p.V170L variant (also known as c.508G>T), located in coding exon 5 of the ATM gene, results from a G to T substitution at nucleotide position 508. The valine at codon 170 is replaced by leucine, an amino acid with highly similar properties. RNA studies have demonstrated that this alteration results in abnormal splicing in the set of samples tested (Ambry internal data). This amino acid position is not well conserved in available vertebrate species. In addition, this alteration is predicted to be tolerated by in silico analysis. Based on the available evidence, the clinical significance of this variant remains unclear.

GeneDx
Classification: Uncertain significance. Last evaluated: 2023-03-20. Review status: criteria provided, single submitter. Criteria: GeneDx Variant Classification Process June 2021. Collection method: clinical testing. Allele origin: germline. Affected: yes.
Comment: Not observed at significant frequency in large population cohorts (gnomAD); In silico analysis supports that this missense variant does not alter protein structure/function; Has not been previously published as pathogenic or benign to our knowledge

Color Diagnostics, LLC DBA Color Health
Classification: Uncertain significance for Hereditary cancer-predisposing syndrome. Last evaluated: 2021-02-01. Review status: criteria provided, single submitter. Criteria: ACMG Guidelines, 2015. Collection method: clinical testing. Allele origin: germline.
Comment: This missense variant replaces valine with leucine at codon 170 of the ATM protein. Computational prediction suggests that this variant may not impact protein structure and function (internally defined REVEL score threshold <= 0.5, PMID: 27666373). To our knowledge, functional studies have not been reported for this variant. This variant has not been reported in individuals affected with hereditary cancer in the literature. This variant has not been identified in the general population by the Genome Aggregation Database (gnomAD). The available evidence is insufficient to determine the role of this variant in disease conclusively. Therefore, this variant is classified as a Variant of Uncertain Significance.

NM_000051.4(ATM):c.508G>T (p.Val170Leu)

Gene: ATM (ATM serine/threonine kinase; plus strand). Cytogenetic location: 11q22.3.
Variant type: single nucleotide variant.
Coding change: c.508G>T on transcript NM_000051.4 (MANE Select); coding-DNA position 508, G replaced by T.
Protein change: p.Val170Leu; replaces valine 170 with leucine.
Molecular consequence: missense variant.
Genome position (GRCh38, 1-based): chr11:108,243,964, G>T. VCF-style: chr11-108243964-G-T. GRCh37 (hg19) VCF-style: chr11-108114691-G-T.
Other names: c.508G>T, p.Val170Leu (NM_001351834.2); short protein forms V170L.
Identifiers: ClinVar variation 186214 (VCV000186214.15), dbSNP rs786202781, ClinGen allele CA194172.